The following is an entry in ClinVar:

ClinVar aggregate classification (germline): Conflicting classifications of pathogenicity. Review status: criteria provided, conflicting classifications (1 of 4 stars). 3 submissions from 3 submitters: Uncertain significance (2); Likely benign (1). Last evaluated 2024-12-17.

Conditions:
Early-infantile DEE. Also called: Early infantile epileptic encephalopathy; Ohtahara syndrome; Early infantile epileptic encephalopathy with suppression bursts. Identifiers: Orphanet 1934, MedGen C0393706, MONDO:0800491.
HCN1-related disorder. Also called: HCN1-related condition; HCN1-related disorders.

Allele frequency attached by ClinVar (database versions not stated): gnomAD 0.00001; ExAC 0.00003; gnomAD exomes 0.00003; TOPMed 0.00004; ESP Exome Variant Server 0.00008.
gnomAD v4.1: 57 of 1,612,934 alleles (0.0035%); highest among the groups gnomAD compares: Non-Finnish European, 0.0042%; no homozygotes.

Submissions (3):

PreventionGenetics, part of Exact Sciences
Classification: Uncertain significance for HCN1-related condition. Last evaluated: 2024-12-17. Review status: criteria provided, single submitter. Criteria: ACMG Guidelines, 2015. Collection method: clinical testing. Allele origin: germline.
Comment: The HCN1 c.2462C>T variant is predicted to result in the amino acid substitution p.Ala821Val. To our knowledge, this variant has not been reported in the literature. This variant is reported in 0.0062% of alleles in individuals of African descent in gnomAD. At this time, the clinical significance of this variant is uncertain due to the absence of conclusive functional and genetic evidence.

Labcorp Genetics (formerly Invitae), Labcorp
Classification: Likely benign for Early-infantile DEE. Last evaluated: 2024-10-15. Review status: criteria provided, single submitter. Criteria: Invitae Variant Classification Sherloc (09022015). Collection method: clinical testing. Allele origin: germline.

CeGaT Center for Human Genetics Tuebingen
Classification: Uncertain significance. Last evaluated: 2024-07-01. Review status: criteria provided, single submitter. Criteria: CeGaT Center For Human Genetics Tuebingen Variant Classification Criteria Version 2. Collection method: clinical testing. Allele origin: germline. Affected: yes. Observed: 1 variant allele.

NM_021072.4(HCN1):c.2462C>T (p.Ala821Val)

Gene: HCN1 (hyperpolarization activated cyclic nucleotide gated potassium channel 1; minus strand). Cytogenetic location: 5p12.
Variant type: single nucleotide variant.
Coding change: c.2462C>T on transcript NM_021072.4 (MANE Select); coding-DNA position 2462, C replaced by T.
Protein change: p.Ala821Val; replaces alanine 821 with valine.
Molecular consequence: missense variant.
Genome position (GRCh38, 1-based): chr5:45,262,132, G>A on the plus strand (C>T on the coding strand, the complement: HCN1 is on the minus strand). VCF-style: chr5-45262132-G-A. GRCh37 (hg19) VCF-style: chr5-45262234-G-A.
Other names: short protein forms A821V.
Identifiers: ClinVar variation 948314 (VCV000948314.28), dbSNP rs371602396, ClinGen allele CA3259105.